The following is an entry in ClinVar:

ClinVar aggregate classification (germline): Uncertain significance (1 of 4 stars; one submission).

Allele frequency attached by ClinVar (database versions not stated): gnomAD exomes below 0.00001 and 0.00001; ExAC 0.00001.
gnomAD v4.1: 9 of 1,613,786 alleles (0.00056%); highest among the groups gnomAD compares: Non-Finnish European, 0.00068%; no homozygotes.

Submission:

Labcorp Genetics (formerly Invitae), Labcorp
Classification: Uncertain significance. Last evaluated: 2025-07-24. Review status: criteria provided, single submitter. Criteria: Invitae Variant Classification Sherloc (09022015). Collection method: clinical testing. Allele origin: germline.
Comment: This sequence change disrupts the translational stop signal of the IL23R mRNA. It is expected to extend the length of the IL23R protein by 25 additional amino acid residues. This variant is present in population databases (rs774016883, gnomAD 0.007%). This variant has not been reported in the literature in individuals affected with IL23R-related conditions. ClinVar contains an entry for this variant (Variation ID: 1399451). Experimental studies and prediction algorithms are not available or were not evaluated, and the functional significance of this variant is currently unknown. In summary, the available evidence is currently insufficient to determine the role of this variant in disease. Therefore, it has been classified as a Variant of Uncertain Significance.

NM_144701.3(IL23R):c.1888T>C (p.Ter630Gln)

Gene: IL23R (interleukin 23 receptor; plus strand). Cytogenetic location: 1p31.3.
Variant type: single nucleotide variant.
Coding change: c.1888T>C on transcript NM_144701.3 (MANE Select); coding-DNA position 1888, T replaced by C.
Protein change: p.Ter630Gln.
Molecular consequence: stop lost.
Genome position (GRCh38, 1-based): chr1:67,259,126, T>C. VCF-style: chr1-67259126-T-C. GRCh37 (hg19) VCF-style: chr1-67724809-T-C.
Identifiers: ClinVar variation 1399451 (VCV001399451.8), dbSNP rs774016883, ClinGen allele CA900068.
Genomic context (GRCh38, chr1:67,259,126, plus strand): 5'-ACTTATTTTCCACAAAATATTTTGGAAAGCCACTTCAATAGGATTTCACTCTTGGAAAAG[T>C]AGAGCTGTGTGGTCAAAATCAATATGAGAAAGCTGCCTTGCAATCTGAACTTGGGTTTTC-3'